The following is an entry in ClinVar:

NM_001037333.3(CYFIP2):c.2890C>T (p.His964Tyr)

Gene: CYFIP2 (cytoplasmic FMR1 interacting protein 2; plus strand). Cytogenetic location: 5q33.3.
Variant type: single nucleotide variant.
Coding change: c.2890C>T on transcript NM_001037333.3 (MANE Select); coding-DNA position 2890, C replaced by T.
Protein change: p.His964Tyr; replaces histidine 964 with tyrosine.
Molecular consequence: missense variant.
Genome position (GRCh38, 1-based): chr5:157,360,354, C>T. VCF-style: chr5-157360354-C-T. GRCh37 (hg19) VCF-style: chr5-156787362-C-T.
Other names: c.2812C>T, p.His938Tyr (NM_001291721.2); c.2965C>T, p.His989Tyr (NM_001291722.2); c.2890C>T, p.His964Tyr (NM_014376.4); short protein forms H938Y, H964Y, H989Y.
Identifiers: ClinVar variation 3728487 (VCV003728487.2).

ClinVar aggregate classification (germline): Uncertain significance (1 of 4 stars; one submission).

Submission:

Labcorp Genetics (formerly Invitae), Labcorp
Classification: Uncertain significance. Last evaluated: 2025-01-12. Review status: criteria provided, single submitter. Criteria: Invitae Variant Classification Sherloc (09022015). Collection method: clinical testing. Allele origin: germline.
Comment: This sequence change replaces histidine, which is basic and polar, with tyrosine, which is neutral and polar, at codon 964 of the CYFIP2 protein (p.His964Tyr). This variant is not present in population databases (gnomAD no frequency). This variant has not been reported in the literature in individuals affected with CYFIP2-related conditions. Experimental studies and prediction algorithms are not available or were not evaluated, and the functional significance of this variant is currently unknown. In summary, the available evidence is currently insufficient to determine the role of this variant in disease. Therefore, it has been classified as a Variant of Uncertain Significance.